The following is an entry in ClinVar:

NM_006767.4(LZTR1):c.280G>T (p.Asp94Tyr)

Gene: LZTR1 (leucine zipper like post translational regulator 1; plus strand). Cytogenetic location: 22q11.21.
Variant type: single nucleotide variant.
Coding change: c.280G>T on transcript NM_006767.4 (MANE Select); coding-DNA position 280, G replaced by T.
Protein change: p.Asp94Tyr; replaces aspartic acid 94 with tyrosine.
Molecular consequence: missense variant.
Genome position (GRCh38, 1-based): chr22:20,985,857, G>T. VCF-style: chr22-20985857-G-T. GRCh37 (hg19) VCF-style: chr22-21340146-G-T.
Other names: short protein forms D94Y.
Identifiers: ClinVar variation 1803329 (VCV001803329.3), dbSNP rs770038802, ClinGen allele CA10118346.
Genomic context (GRCh38, chr22:20,985,857, plus strand): 5'-AGTAGACCTGGCTAATGCCACCCTCTCTTCCGGCTGCCTTTCAGGAAGACCATGCTCAAT[G>T]ACCTCCTGCGGTTCGATGTGAAAGACTGCTCCTGGTGCAGGTGGGTGGCCCCGTGCTCCA-3'
Protein context (NP_006758.2, residues 84-104): GGDNGKTMLN[Asp94Tyr]LLRFDVKDCS

ClinVar aggregate classification (germline): Uncertain significance. Review status: criteria provided, multiple submitters, no conflicts (2 of 4 stars). 2 submissions from 2 submitters: Uncertain significance (2). Last evaluated 2026-07-15.

Conditions:
Cardiovascular phenotype. Identifiers: MedGen CN230736.
Hereditary cancer-predisposing syndrome. Also called: Hereditary Cancer Syndrome; Hereditary neoplastic syndrome; Neoplastic Syndromes, Hereditary; Tumor predisposition. Identifiers: Orphanet 140162, MedGen C0027672, MeSH D009386, MONDO:0015356.

Allele frequency attached by ClinVar (database versions not stated): gnomAD exomes below 0.00001; ExAC 0.00001.
gnomAD v4.1: 1 of 1,614,160 alleles (0.000062%); highest among the groups gnomAD compares: Non-Finnish European, 0.000085%; no homozygotes.

Submissions (2):

Ambry Genetics
Classification: Uncertain significance for Cardiovascular phenotype; Hereditary cancer-predisposing syndrome. Last evaluated: 2026-07-15. Review status: criteria provided, single submitter. Criteria: Ambry Variant Classification Scheme 2023. Collection method: clinical testing. Allele origin: germline.
Comment: The p.D94Y variant (also known as c.280G>T), located in coding exon 3 of the LZTR1 gene, results from a G to T substitution at nucleotide position 280. The aspartic acid at codon 94 is replaced by tyrosine, an amino acid with highly dissimilar properties. This amino acid position is highly conserved in available vertebrate species. In addition, this alteration is predicted to be deleterious by in silico analysis. Based on the available evidence, the clinical significance of this variant remains unclear.

GeneDx
Classification: Uncertain significance. Last evaluated: 2023-01-10. Review status: criteria provided, single submitter. Criteria: GeneDx Variant Classification Process June 2021. Collection method: clinical testing. Allele origin: germline.
Comment: Not observed at significant frequency in large population cohorts (gnomAD); In silico analysis supports that this missense variant has a deleterious effect on protein structure/function; Has not been previously published as pathogenic or benign to our knowledge